The following is an entry in ClinVar:

ClinVar aggregate classification (germline): Likely benign. Review status: criteria provided, multiple submitters, no conflicts (2 of 4 stars). 5 submissions from 5 submitters: Likely benign (2). 3 of the submissions do not count toward it. Last evaluated 2024-09-12.

Conditions:
Polycystic kidney disease, adult type (PKD1). Also called: Polycystic Kidney, Autosomal Dominant; POLYCYSTIC KIDNEY DISEASE, ADULT, TYPE I; Polycystic Kidney Disease 1, Autosomal Dominant; Polycystic kidney disease 1; Polycystic kidney disease 1, severe; POLYCYSTIC KIDNEY DISEASE 1 WITH OR WITHOUT POLYCYSTIC LIVER DISEASE. Identifiers: MedGen C3149841, MONDO:0008263, OMIM 173900.
PKD1-related disorder. Also called: PKD1-related condition.

Allele frequency attached by ClinVar (database versions not stated): gnomAD 0.00017 and 0.00024; gnomAD exomes 0.00020; ExAC 0.00023.
gnomAD v4.1: 276 of 1,602,062 alleles (0.017%); highest among the groups gnomAD compares: Middle Eastern, 0.023%; no homozygotes.

Submissions (5):

Blueprint Genetics
Classification: Likely benign. Last evaluated: 2024-09-12. Review status: criteria provided, single submitter. Criteria: ACMG Guidelines, 2015. Collection method: clinical testing. Allele origin: germline.

Department of Pathology and Laboratory Medicine, Sinai Health System
Classification: Likely benign for Polycystic kidney disease, adult type. Last evaluated: 2022-03-16. Review status: criteria provided, single submitter. Criteria: ACMG Guidelines, 2015. Collection method: clinical testing. Allele origin: germline. Affected: yes.

PreventionGenetics, part of Exact Sciences
Classification: Likely benign for PKD1-related condition. Last evaluated: 2022-10-18. Review status: no assertion criteria provided. Collection method: clinical testing. Allele origin: germline. Not counted in ClinVar's aggregate classification.
Comment: This variant is classified as likely benign based on ACMG/AMP sequence variant interpretation guidelines (Richards et al. 2015 PMID: 25741868, with internal and published modifications).

Clinical Genetics DNA and cytogenetics Diagnostics Lab, Erasmus MC, Erasmus Medical Center
Classification: Likely benign. Review status: no assertion criteria provided. Collection method: clinical testing. Allele origin: germline. Affected: yes. Study: VKGL Data-share Consensus. Not counted in ClinVar's aggregate classification.

Genome Diagnostics Laboratory, University Medical Center Utrecht
Classification: Likely benign. Review status: no assertion criteria provided. Collection method: clinical testing. Allele origin: germline. Affected: yes. Study: VKGL Data-share Consensus. Not counted in ClinVar's aggregate classification.

NM_001009944.3(PKD1):c.6882C>T (p.Leu2294=)

Gene: PKD1 (polycystin 1, transient receptor potential channel interacting; minus strand). Cytogenetic location: 16p13.3.
Variant type: single nucleotide variant.
Coding change: c.6882C>T on transcript NM_001009944.3 (MANE Select); coding-DNA position 6882, C replaced by T.
Protein change: p.Leu2294=; no amino-acid change (leucine 2294 retained).
Molecular consequence: synonymous variant.
Genome position (GRCh38, 1-based): chr16:2,108,285, G>A on the plus strand (C>T on the coding strand, the complement: PKD1 is on the minus strand). VCF-style: chr16-2108285-G-A. GRCh37 (hg19) VCF-style: chr16-2158286-G-A.
Other names: c.6882C>T (NM_001009944.2); c.6882C>T, p.Leu2294= (NM_000296.4).
Identifiers: ClinVar variation 1284922 (VCV001284922.6), dbSNP rs758337073, ClinGen allele CA7831417.